The following is an entry in ClinVar:

NM_005050.4(ABCD4):c.176A>G (p.Gln59Arg)

Gene: ABCD4 (ATP binding cassette subfamily D member 4; minus strand). Cytogenetic location: 14q24.3.
Variant type: single nucleotide variant.
Coding change: c.176A>G on transcript NM_005050.4 (MANE Select); coding-DNA position 176, A replaced by G.
Protein change: p.Gln59Arg; replaces glutamine 59 with arginine.
Molecular consequence: missense variant. On other transcripts: 5 prime UTR variant (10), non-coding transcript variant (6), intron variant (9).
Genome position (GRCh38, 1-based): chr14:74,299,657, T>C on the plus strand (A>G on the coding strand, the complement: ABCD4 is on the minus strand). VCF-style: chr14-74299657-T-C. GRCh37 (hg19) VCF-style: chr14-74766360-T-C.
Other names: p.Gln59Arg; c.176A>G, p.Gln59Arg (NM_001353591.2, NM_001353592.2, NM_020325.3); c.-86A>G (NM_001353593.2, NM_001353594.2); c.-234A>G (NM_001353595.2); c.-162A>G (NM_001353599.2, NM_020324.3); c.-514A>G (NM_001353602.2); c.-519A>G (NM_001353605.2, NM_001353609.2, NM_001353610.2); c.-374A>G (NM_001353608.2); and 7 more; short protein forms Q59R.
Identifiers: ClinVar variation 380496 (VCV000380496.15), dbSNP rs58272575, ClinGen allele CA7267307.

ClinVar aggregate classification (germline): Benign/Likely benign. Review status: criteria provided, multiple submitters, no conflicts (2 of 4 stars). 6 submissions from 6 submitters: Benign (4); Likely benign (2). Last evaluated 2026-02-04.

Conditions:
Methylmalonic acidemia with homocystinuria, type cblJ (MAHCJ). Also called: METHYLMALONIC ACIDURIA AND HOMOCYSTINURIA, cblJ TYPE. Identifiers: Orphanet 369955, MedGen C3553915, MONDO:0013925, OMIM 614857.

Allele frequency attached by ClinVar (database versions not stated): gnomAD exomes 0.00647 and 0.01701; ExAC 0.02361; gnomAD 0.06621 and 0.07062; TOPMed 0.07423; 1000 Genomes Project 0.07428; ESP Exome Variant Server 0.07543; 1000 Genomes Project 30x 0.08136.
gnomAD v4.1: 19,944 of 1,612,992 alleles (1.2%); highest among the groups gnomAD compares: African/African-American, 23%; 2,072 homozygotes.

Submissions (6):

Labcorp Genetics (formerly Invitae), Labcorp
Classification: Benign for Methylmalonic acidemia with homocystinuria, type cblJ. Last evaluated: 2026-02-04. Review status: criteria provided, single submitter. Criteria: Invitae Variant Classification Sherloc (09022015). Collection method: clinical testing. Allele origin: germline.

ARUP Laboratories, Molecular Genetics and Genomics, ARUP Laboratories
Classification: Benign for Methylmalonic acidemia with homocystinuria, type cblJ. Last evaluated: 2025-06-03. Review status: criteria provided, single submitter. Criteria: ARUP Molecular Germline Variant Investigation Process 2024. Collection method: clinical testing. Allele origin: germline.

Mayo Clinic Laboratories, Mayo Clinic
Classification: Benign. Last evaluated: 2022-07-26. Review status: criteria provided, single submitter. Criteria: ACMG Guidelines, 2015. Collection method: clinical testing. Allele origin: germline. Observed: 5 variant alleles.
Comment: BA1

Women's Health and Genetics/Laboratory Corporation of America, LabCorp
Classification: Likely benign. Last evaluated: 2021-12-10. Review status: criteria provided, single submitter. Criteria: LabCorp Variant Classification Summary - May 2015. Collection method: clinical testing. Allele origin: germline.

GeneDx
Classification: Benign. Last evaluated: 2016-02-23. Review status: criteria provided, single submitter. Criteria: GeneDx Variant Classification (06012015). Collection method: clinical testing. Allele origin: germline. Affected: yes.
Comment: This variant is considered likely benign or benign based on one or more of the following criteria: it is a conservative change, it occurs at a poorly conserved position in the protein, it is predicted to be benign by multiple in silico algorithms, and/or has population frequency not consistent with disease.

Breakthrough Genomics
Classification: Likely benign. Review status: criteria provided, single submitter. Criteria: ACMG Guidelines, 2015. Collection method: not provided. Allele origin: germline. Inheritance: Autosomal recessive inheritance. Affected: yes.